The following is an entry in ClinVar:

ClinVar aggregate classification (germline): Conflicting classifications of pathogenicity. Review status: criteria provided, conflicting classifications (1 of 4 stars). 4 submissions from 4 submitters: Uncertain significance (2); Likely benign (2). Last evaluated 2026-01-26.

Conditions:
Inborn genetic diseases. Identifiers: MedGen C0950123, MeSH D030342.
Developmental and epileptic encephalopathy, 12 (DEE12). Identifiers: MedGen C3150988, MONDO:0013389, OMIM 613722.

Allele frequency attached by ClinVar (database versions not stated): gnomAD 0.00001 and 0.00003; TOPMed 0.00001; gnomAD exomes 0.00009 and 0.00017; ExAC 0.00015; 1000 Genomes Project 30x 0.00016; 1000 Genomes Project 0.00020.

Submissions (4):

Labcorp Genetics (formerly Invitae), Labcorp
Classification: Likely benign for Developmental and epileptic encephalopathy, 12. Last evaluated: 2026-01-26. Review status: criteria provided, single submitter. Criteria: Invitae Variant Classification Sherloc (09022015). Collection method: clinical testing. Allele origin: germline.

CeGaT Center for Human Genetics Tuebingen
Classification: Likely benign. Last evaluated: 2022-04-01. Review status: criteria provided, single submitter. Criteria: CeGaT Center For Human Genetics Tuebingen Variant Classification Criteria Version 2. Collection method: clinical testing. Allele origin: germline. Affected: yes. Observed: 1 variant allele.
Comment: PNKP: BP4

Ambry Genetics
Classification: Uncertain significance for Inborn genetic diseases. Last evaluated: 2018-08-09. Review status: criteria provided, single submitter. Criteria: Ambry Variant Classification Scheme 2023. Collection method: clinical testing. Allele origin: germline.
Comment: The p.R141Q variant (also known as c.422G>A), located in coding exon 3 of the PNKP gene, results from a G to A substitution at nucleotide position 422. The arginine at codon 141 is replaced by glutamine, an amino acid with highly similar properties. This amino acid position is highly conserved in available vertebrate species. In addition, this alteration is predicted to be tolerated by in silico analysis. Since supporting evidence is limited at this time, the clinical significance of this alteration remains unclear.

GeneDx
Classification: Uncertain significance. Last evaluated: 2016-07-06. Review status: criteria provided, single submitter. Criteria: GeneDx Variant Classification (06012015). Collection method: clinical testing. Allele origin: germline. Affected: yes.
Comment: The R141Q variant has not been published as a pathogenic variant, nor has it been reported as a benign variant to our knowledge. It was not observed in approximately 6,500 individuals of European and African American ancestry in the NHLBI Exome Sequencing Project, indicating it is not a common benign variant in these populations, and it was not observed with any significant frequency in the 1000 Genomes Project. The R141Q variant is a semi-conservative amino acid substitution, which may impact secondary protein structure as these residues differ in some properties. This substitution occurs at a position that is conserved in mammals. However, in silico analysis predicts this variant likely does not alter the protein structure/function. Therefore, based on the currently available information, it is unclear whether this variant is a pathogenic variant or a rare benign variant.

NM_007254.4(PNKP):c.422G>A (p.Arg141Gln)

Gene: PNKP (polynucleotide kinase 3'-phosphatase; minus strand). Cytogenetic location: 19q13.33.
Variant type: single nucleotide variant.
Coding change: c.422G>A on transcript NM_007254.4 (MANE Select); coding-DNA position 422, G replaced by A.
Protein change: p.Arg141Gln; replaces arginine 141 with glutamine.
Molecular consequence: missense variant.
Genome position (GRCh38, 1-based): chr19:49,865,203, C>T on the plus strand (G>A on the coding strand, the complement: PNKP is on the minus strand). VCF-style: chr19-49865203-C-T. GRCh37 (hg19) VCF-style: chr19-50368460-C-T.
Other names: p.R141Q:CGG>CAG; short protein forms R141Q.
Identifiers: ClinVar variation 206386 (VCV000206386.42), dbSNP rs570013652, ClinGen allele CA316452.
Genomic context (GRCh38, chr19:49,865,203, plus strand): 5'-ACCCCAGCTGCGGTGAACACTAGCAACTTCTCCAAGTTCTCCCAGCCGGGGTTTGACTTC[C>T]GCATACGCTTCTTCGGCAGCTCAGCATCTCTCTTCTCATCTTGGGACACCAGAGGGGTGC-3'
Protein context (NP_009185.2, residues 131-151): RDAELPKKRM[Arg141Gln]KSNPGWENLE